The following is an entry in ClinVar:

NM_005909.5(MAP1B):c.6758A>G (p.Lys2253Arg)

Gene: MAP1B (microtubule associated protein 1B; plus strand). Cytogenetic location: 5q13.2.
Variant type: single nucleotide variant.
Coding change: c.6758A>G on transcript NM_005909.5 (MANE Select); coding-DNA position 6758, A replaced by G.
Protein change: p.Lys2253Arg; replaces lysine 2253 with arginine.
Molecular consequence: missense variant.
Genome position (GRCh38, 1-based): chr5:72,200,113, A>G. VCF-style: chr5-72200113-A-G. GRCh37 (hg19) VCF-style: chr5-71495940-A-G.
Other names: c.6758A>G (NM_005909.4); c.6380A>G, p.Lys2127Arg (NM_001324255.2); short protein forms K2127R, K2253R.
Identifiers: ClinVar variation 2533063 (VCV002533063.5), dbSNP rs1302645674, ClinGen allele CA360023593.

ClinVar aggregate classification (germline): Uncertain significance. Review status: criteria provided, multiple submitters, no conflicts (2 of 4 stars). 3 submissions from 3 submitters: Uncertain significance (3). Last evaluated 2025-11-25.

Conditions:
Periventricular nodular heterotopia 9. Identifiers: MedGen C5394503, MONDO:0030061, OMIM 618918.
Hearing loss, autosomal dominant 83. Also called: Deafness, autosomal dominant 83. Identifiers: MedGen C5676951, MONDO:0030723, OMIM 619808.
Inborn genetic diseases. Identifiers: MedGen C0950123, MeSH D030342.
MAP1B-related disorder. Also called: MAP1B-related condition.

Allele frequency attached by ClinVar (database versions not stated): gnomAD exomes 0.00001; TOPMed 0.00002; gnomAD 0.00002.
gnomAD v4.1: 12 of 1,614,114 alleles (0.00074%); highest among the groups gnomAD compares: Non-Finnish European, 0.00093%; no homozygotes.

Submissions (3):

Ambry Genetics
Classification: Uncertain significance for Inborn genetic diseases. Last evaluated: 2025-11-25. Review status: criteria provided, single submitter. Criteria: Ambry Variant Classification Scheme 2023. Collection method: clinical testing. Allele origin: germline.

Fulgent Genetics
Classification: Uncertain significance for Periventricular nodular heterotopia 9; Hearing loss, autosomal dominant 83. Last evaluated: 2024-05-09. Review status: criteria provided, single submitter. Criteria: ACMG Guidelines, 2015. Collection method: clinical testing. Allele origin: germline.

PreventionGenetics, part of Exact Sciences
Classification: Uncertain significance for MAP1B-related condition. Last evaluated: 2023-08-03. Review status: criteria provided, single submitter. Criteria: ACMG Guidelines, 2015. Collection method: clinical testing. Allele origin: germline.
Comment: The MAP1B c.6758A>G variant is predicted to result in the amino acid substitution p.Lys2253Arg. To our knowledge, this variant has not been reported in the literature. This variant is reported in 0.00088% of alleles in individuals of European (Non-Finnish) descent in gnomAD. At this time, the clinical significance of this variant is uncertain due to the absence of conclusive functional and genetic evidence.